The following is an entry in ClinVar:

ClinVar aggregate classification (germline): Uncertain significance. Review status: criteria provided, single submitter (1 of 4 stars). 2 submissions from 2 submitters: Uncertain significance (1). 1 of the submissions does not count toward it. Last evaluated 2022-09-26.

Conditions:
Acyl-CoA dehydrogenase 9 deficiency. Also called: Acyl-CoA dehydrogenase family, member 9, deficiency of; MITOCHONDRIAL COMPLEX I DEFICIENCY, NUCLEAR TYPE 20. Identifiers: Orphanet 99901, MedGen C4747517, MONDO:0012624, OMIM 611126.

gnomAD v4.1: 3 of 1,613,674 alleles (0.00019%); highest among the groups gnomAD compares: Non-Finnish European, 0.00025%; no homozygotes.

Submissions (2):

Labcorp Genetics (formerly Invitae), Labcorp
Classification: Uncertain significance. Last evaluated: 2022-09-26. Review status: criteria provided, single submitter. Criteria: Invitae Variant Classification Sherloc (09022015). Collection method: clinical testing. Allele origin: germline.
Comment: This sequence change replaces arginine, which is basic and polar, with tryptophan, which is neutral and slightly polar, at codon 27 of the ACAD9 protein (p.Arg27Trp). This variant is not present in population databases (gnomAD no frequency). This variant has not been reported in the literature in individuals affected with ACAD9-related conditions. Advanced modeling of protein sequence and biophysical properties (such as structural, functional, and spatial information, amino acid conservation, physicochemical variation, residue mobility, and thermodynamic stability) performed at Invitae indicates that this missense variant is not expected to disrupt ACAD9 protein function. In summary, the available evidence is currently insufficient to determine the role of this variant in disease. Therefore, it has been classified as a Variant of Uncertain Significance.

Natera, Inc.
Classification: Uncertain significance for ACAD9 deficiency. Last evaluated: 2025-03-17. Review status: no assertion criteria provided. Collection method: clinical testing. Allele origin: germline. Not counted in ClinVar's aggregate classification.

NM_014049.5(ACAD9):c.79C>T (p.Arg27Trp)

Gene: ACAD9 (acyl-CoA dehydrogenase family member 9; plus strand). Cytogenetic location: 3q21.3.
Variant type: single nucleotide variant.
Coding change: c.79C>T on transcript NM_014049.5 (MANE Select); coding-DNA position 79, C replaced by T.
Protein change: p.Arg27Trp; replaces arginine 27 with tryptophan.
Molecular consequence: missense variant. On other transcripts: non-coding transcript variant (1).
Genome position (GRCh38, 1-based): chr3:128,879,770, C>T. VCF-style: chr3-128879770-C-T. GRCh37 (hg19) VCF-style: chr3-128598613-C-T.
Other names: c.-197C>T (NM_001410805.1); c.79C>T (NM_014049.4); short protein forms R27W.
Identifiers: ClinVar variation 2104044 (VCV002104044.2), dbSNP rs201209930, ClinGen allele CA82514210.
Genomic context (GRCh38, chr3:128,879,770, plus strand): 5'-TTCCTGCGCACCACGGCTGCGGCTCGTGCCTGCCGGGGTCTGGTGGTCTCTACCGCGAAC[C>T]GGCGGCTACTGCGCACCAGCCCGCCTGTACGAGCTTTCGCCAAAGAGCTTTTCCTAGGCA-3'
Protein context (NP_054768.2, residues 17-37): CRGLVVSTAN[Arg27Trp]RLLRTSPPVR